The following is an entry in ClinVar:

ClinVar aggregate classification (germline): Likely benign. Review status: criteria provided, multiple submitters, no conflicts (2 of 4 stars). 2 submissions from 2 submitters: Likely benign (2). Last evaluated 2017-04-27.

Conditions:
Short stature-pituitary and cerebellar defects-small sella turcica syndrome (CPHD4). Also called: Pituitary hormone deficiency, combined with or without cerebellar defects; Short stature, pituitary and cerebellar defects and small sella turcica. Identifiers: Orphanet 85442, MedGen C2678408, MONDO:0009880, OMIM 262700.

Allele frequency attached by ClinVar (database versions not stated): ESP Exome Variant Server 0.00102; TOPMed 0.01109; 1000 Genomes Project 0.01378; 1000 Genomes Project 30x 0.01390; ExAC 0.01537.
gnomAD v4.1: 6,184 of 1,535,252 alleles (0.4%); highest among the groups gnomAD compares: Admixed American, 9%; 370 homozygotes.

Submissions (2):

Illumina Laboratory Services, Illumina
Classification: Likely benign for Short stature-pituitary and cerebellar defects-small sella turcica syndrome. Last evaluated: 2017-04-27. Review status: criteria provided, single submitter. Criteria: ICSL Variant Classification Criteria 13 December 2019. Collection method: clinical testing. Allele origin: germline.
Comment: This variant was observed as part of a predisposition screen in an ostensibly healthy population. A literature search was performed for the gene, cDNA change, and amino acid change (where applicable). No publications were found based on this search. Allele frequency data from public databases allowed determination this variant is unlikely to cause disease. Therefore, this variant is classified as likely benign.

Breakthrough Genomics
Classification: Likely benign. Review status: criteria provided, single submitter. Criteria: ACMG Guidelines, 2015. Collection method: not provided. Allele origin: germline. Inheritance: Autosomal dominant inheritance. Affected: yes.

NM_033343.4(LHX4):c.*26C>T

Genes: LHX4 (LIM homeobox 4; plus strand), ACBD6 (acyl-CoA binding domain containing 6; minus strand), LHX4-AS1 (LHX4 antisense RNA 1; minus strand). Cytogenetic location: 1q25.2.
Variant type: single nucleotide variant.
Coding change: c.*26C>T on transcript NM_033343.4 (MANE Select); 26 bases downstream of the stop codon, C replaced by T.
Molecular consequence: 3 prime UTR variant.
Genome position (GRCh38, 1-based): chr1:180,274,605, C>T. VCF-style: chr1-180274605-C-T. GRCh37 (hg19) VCF-style: chr1-180243740-C-T.
Identifiers: ClinVar variation 293873 (VCV000293873.6), dbSNP rs138054044, ClinGen allele CA1272108.